The following is an entry in ClinVar:

NM_000089.4(COL1A2):c.426T>G (p.Gly142=)

Gene: COL1A2 (collagen type I alpha 2 chain; plus strand). Cytogenetic location: 7q21.3.
Variant type: single nucleotide variant.
Coding change: c.426T>G on transcript NM_000089.4 (MANE Select); coding-DNA position 426, T replaced by G.
Protein change: p.Gly142=; no amino-acid change (glycine 142 retained).
Molecular consequence: synonymous variant.
Genome position (GRCh38, 1-based): chr7:94,404,886, T>G. VCF-style: chr7-94404886-T-G. GRCh37 (hg19) VCF-style: chr7-94034198-T-G.
Other names: c.426T>G (NM_000089.3).
Identifiers: ClinVar variation 1112816 (VCV001112816.12), dbSNP rs750357212, ClinGen allele CA4346664.

ClinVar aggregate classification (germline): Likely benign. Review status: criteria provided, multiple submitters, no conflicts (2 of 4 stars). 3 submissions from 3 submitters: Likely benign (2). 1 of the submissions does not count toward it. Last evaluated 2025-02-09.

Conditions:
COL1A2-related disorder. Also called: COL1A2-related condition; COL1A2-Related Disorders.
Osteogenesis imperfecta type I (OI1). Also called: OI, TYPE I; OSTEOGENESIS IMPERFECTA TARDA; OSTEOGENESIS IMPERFECTA WITH BLUE SCLERAE; Classic Non-deforming Osteogenesis Imperfecta with Blue Sclerae; Osteogenesis imperfecta type 1; Lobstein's Disease. Identifiers: Orphanet 216796, Orphanet 666, MedGen C0023931, MONDO:0008146, OMIM 166200. Disease mechanism: loss of function.
Ehlers-Danlos syndrome, classic type, 1 (EDSCL1). Also called: EHLERS-DANLOS SYNDROME, GRAVIS TYPE; EHLERS-DANLOS SYNDROME, SEVERE CLASSIC TYPE; Ehlers-Danlos syndrome, type 1; Ehlers-Danlos Syndrome, Classic Type, COL5A1-Related; EDS I. Identifiers: MedGen C0268335, MONDO:0019567, OMIM 130000.
Cardiovascular phenotype. Identifiers: MedGen CN230736.

Allele frequency attached by ClinVar (database versions not stated): TOPMed below 0.00001; ExAC 0.00001; gnomAD exomes 0.00001 and below 0.00001.
gnomAD v4.1: 2 of 1,614,020 alleles (0.00012%); highest among the groups gnomAD compares: East Asian, 0.0045%; no homozygotes.

Submissions (3):

Ambry Genetics
Classification: Likely benign for Cardiovascular phenotype. Last evaluated: 2025-02-09. Review status: criteria provided, single submitter. Criteria: Ambry Variant Classification Scheme 2023. Collection method: clinical testing. Allele origin: germline.

Labcorp Genetics (formerly Invitae), Labcorp
Classification: Likely benign for Osteogenesis imperfecta type I; Ehlers-Danlos syndrome, classic type, 1. Last evaluated: 2021-01-28. Review status: criteria provided, single submitter. Criteria: Invitae Variant Classification Sherloc (09022015). Collection method: clinical testing. Allele origin: germline.

PreventionGenetics, part of Exact Sciences
Classification: Likely benign for COL1A2-related condition. Last evaluated: 2019-03-21. Review status: no assertion criteria provided. Collection method: clinical testing. Allele origin: germline. Not counted in ClinVar's aggregate classification.
Comment: This variant is classified as likely benign based on ACMG/AMP sequence variant interpretation guidelines (Richards et al. 2015 PMID: 25741868, with internal and published modifications).